The following is an entry in ClinVar:

NM_020778.5(ALPK3):c.4399G>A (p.Val1467Ile)

Gene: ALPK3 (alpha kinase 3; plus strand). Cytogenetic location: 15q25.3.
Variant type: single nucleotide variant.
Coding change: c.4399G>A on transcript NM_020778.5 (MANE Select); coding-DNA position 4399, G replaced by A.
Protein change: p.Val1467Ile; replaces valine 1467 with isoleucine.
Molecular consequence: missense variant.
Genome position (GRCh38, 1-based): chr15:84,862,904, G>A. VCF-style: chr15-84862904-G-A. GRCh37 (hg19) VCF-style: chr15-85406135-G-A.
Other names: c.5005G>A (NM_020778.4); short protein forms V1467I.
Identifiers: ClinVar variation 1905214 (VCV001905214.6), dbSNP rs538711539, ClinGen allele CA7709948.

ClinVar aggregate classification (germline): Uncertain significance. Review status: criteria provided, multiple submitters, no conflicts (2 of 4 stars). 2 submissions from 2 submitters: Uncertain significance (2). Last evaluated 2025-11-05.

Conditions:
Cardiovascular phenotype. Identifiers: MedGen CN230736.

Allele frequency attached by ClinVar (database versions not stated): ExAC 0.00002; gnomAD 0.00002; gnomAD exomes 0.00002; TOPMed 0.00002; 1000 Genomes Project 0.00020; 1000 Genomes Project 30x 0.00031.
gnomAD v4.1: 38 of 1,613,550 alleles (0.0024%); highest among the groups gnomAD compares: South Asian, 0.029%; no homozygotes.

Submissions (2):

Labcorp Genetics (formerly Invitae), Labcorp
Classification: Uncertain significance. Last evaluated: 2025-11-05. Review status: criteria provided, single submitter. Criteria: Invitae Variant Classification Sherloc (09022015). Collection method: clinical testing. Allele origin: germline.
Comment: This sequence change replaces valine, which is neutral and non-polar, with isoleucine, which is neutral and non-polar, at codon 1669 of the ALPK3 protein (p.Val1669Ile). This variant is present in population databases (rs538711539, gnomAD 0.03%). This variant has not been reported in the literature in individuals affected with ALPK3-related conditions. ClinVar contains an entry for this variant (Variation ID: 1905214). Invitae Evidence Modeling of protein sequence and biophysical properties (such as structural, functional, and spatial information, amino acid conservation, physicochemical variation, residue mobility, and thermodynamic stability) indicates that this missense variant is not expected to disrupt ALPK3 protein function with a negative predictive value of 80%. In summary, the available evidence is currently insufficient to determine the role of this variant in disease. Therefore, it has been classified as a Variant of Uncertain Significance.

Ambry Genetics
Classification: Uncertain significance for Cardiovascular phenotype. Last evaluated: 2025-11-02. Review status: criteria provided, single submitter. Criteria: Ambry Variant Classification Scheme 2023. Collection method: clinical testing. Allele origin: germline.
Comment: The p.V1669I variant (also known as c.5005G>A), located in coding exon 10 of the ALPK3 gene, results from a G to A substitution at nucleotide position 5005. The valine at codon 1669 is replaced by isoleucine, an amino acid with highly similar properties. This amino acid position is conserved. In addition, this alteration is predicted to be tolerated by in silico analysis. Based on the available evidence, the clinical significance of this variant remains unclear.